The following is an entry in ClinVar:

NM_002397.5(MEF2C):c.2T>C (p.Met1Thr)

Gene: MEF2C (myocyte enhancer factor 2C; minus strand). Cytogenetic location: 5q14.3.
Variant type: single nucleotide variant.
Coding change: c.2T>C on transcript NM_002397.5 (MANE Select); coding-DNA position 2, T replaced by C.
Protein change: p.Met1Thr; changes the start codon (methionine 1).
Molecular consequence: missense variant, initiator codon variant.
Genome position (GRCh38, 1-based): chr5:88,823,787, A>G on the plus strand (T>C on the coding strand, the complement: MEF2C is on the minus strand). VCF-style: chr5-88823787-A-G. GRCh37 (hg19) VCF-style: chr5-88119604-A-G.
Other names: c.2T>C, p.Met1Thr (NM_001364346.2, NM_001364347.2, NM_001364348.2 and 29 more transcripts); short protein forms M1T.
Identifiers: ClinVar variation 211494 (VCV000211494.9), dbSNP rs545185248, ClinGen allele CA205953.

ClinVar aggregate classification (germline): Pathogenic/Likely pathogenic. Review status: criteria provided, multiple submitters, no conflicts (2 of 4 stars). 3 submissions from 3 submitters: Pathogenic (2); Likely pathogenic (1). Last evaluated 2023-05-23.

Conditions:
Neurodevelopmental disorder with hypotonia, stereotypic hand movements, and impaired language. Also called: Intellectual disability, autosomal dominant 20. Identifiers: Orphanet 228384, Orphanet 664410, MedGen C3150700, MONDO:0013266, OMIM 613443.

Allele frequency attached by ClinVar (database versions not stated): gnomAD exomes below 0.00001; gnomAD 0.00001; 1000 Genomes Project 30x 0.00016; 1000 Genomes Project 0.00020.

Submissions (3):

Illumina Laboratory Services, Illumina
Classification: Likely pathogenic for Neurodevelopmental disorder with hypotonia, stereotypic hand movements, and impaired language. Last evaluated: 2023-05-23. Review status: criteria provided, single submitter. Criteria: ICSLVariantClassificationCriteria RUGD 01 April 2020. Collection method: clinical testing. Allele origin: unknown.
Comment: The MEF2C c.2T>C (p.Met1?) variant alters the initiator methionine amino acid and the resultant protein is described as p.Met1? to denote that whether the loss of the methionine at codon 1 prevents all protein translation or causes abnormal protein formation from an alternate methionine is unknown. To our knowledge, this variant has not been reported in the peer-reviewed literature. However, three different start loss variants, including at least two de novo variants, have been reported in individuals with MEF2C deficiency (PMID: 34055696; 26633542). The c.2T>C variant is reported in the Genome Aggregation Database in one allele at a frequency of 0.000065 in the African/ African American population (version 2.1.1). This variant was identified in a de novo state. Based on the available evidence, the c.2T>C (p.Met1?) variant is classified as likely pathogenic for neurodevelopmental disorder with hypotonia, stereotypic hand movements, and impaired language.

GeneDx
Classification: Pathogenic. Last evaluated: 2018-08-28. Review status: criteria provided, single submitter. Criteria: GeneDx Variant Classification (06012015). Collection method: clinical testing. Allele origin: germline. Affected: yes.
Comment: The de novo c.2T>C pathogenic variant in the MEF2C gene has not been reported previously as a pathogenic variant nor as a benign variant, to our knowledge. This variant was not observed at any significant frequency in approximately 6500 individuals of European and African American ancestry in the NHLBI Exome Sequencing Project. As this pathogenic variant changes the translation initiator Methionine codon, the resultant protein is described as p.Met1?, using a question mark to signify that it is not known if the loss of Met1 means that all protein translation is completely prevented or if an abnormal protein is produced using an alternate Methionine. We interpret c.2T>C as a pathogenic variant.

Genetic Services Laboratory, University of Chicago
Classification: Pathogenic for Mental retardation, stereotypic movements, epilepsy, and/or cerebral malformations. Last evaluated: 2015-01-09. Review status: criteria provided, single submitter. Criteria: ACMG Guidelines, 2015. Collection method: clinical testing. Allele origin: germline. Affected: yes.

Literature cited by the submitters: PubMed 26633542 (cited by Illumina Laboratory Services, Illumina); PubMed 34055696 (cited by Illumina Laboratory Services, Illumina).